The following is an entry in ClinVar:

ClinVar aggregate classification (germline): Uncertain significance (1 of 4 stars; one submission).

Allele frequency attached by ClinVar (database versions not stated): gnomAD 0.00001; gnomAD exomes 0.00001.
gnomAD v4.1: 19 of 1,612,592 alleles (0.0012%); highest among the groups gnomAD compares: Non-Finnish European, 0.0016%; no homozygotes.

Submission:

Labcorp Genetics (formerly Invitae), Labcorp
Classification: Uncertain significance. Last evaluated: 2023-12-30. Review status: criteria provided, single submitter. Criteria: Invitae Variant Classification Sherloc (09022015). Collection method: clinical testing. Allele origin: germline.
Comment: This sequence change replaces glycine, which is neutral and non-polar, with alanine, which is neutral and non-polar, at codon 84 of the TFRC protein (p.Gly84Ala). This variant is present in population databases (no rsID available, gnomAD 0.002%). This variant has not been reported in the literature in individuals affected with TFRC-related conditions. Advanced modeling of protein sequence and biophysical properties (such as structural, functional, and spatial information, amino acid conservation, physicochemical variation, residue mobility, and thermodynamic stability) performed at Invitae indicates that this missense variant is not expected to disrupt TFRC protein function with a negative predictive value of 80%. In summary, the available evidence is currently insufficient to determine the role of this variant in disease. Therefore, it has been classified as a Variant of Uncertain Significance.

NM_001128148.3(TFRC):c.251G>C (p.Gly84Ala)

Gene: TFRC (transferrin receptor; minus strand). Cytogenetic location: 3q29.
Variant type: single nucleotide variant.
Coding change: c.251G>C on transcript NM_001128148.3 (MANE Select); coding-DNA position 251, G replaced by C.
Protein change: p.Gly84Ala; replaces glycine 84 with alanine.
Molecular consequence: missense variant. On other transcripts: intron variant (1).
Genome position (GRCh38, 1-based): chr3:196,074,113, C>G on the plus strand (G>C on the coding strand, the complement: TFRC is on the minus strand). VCF-style: chr3-196074113-C-G. GRCh37 (hg19) VCF-style: chr3-195800984-C-G.
Other names: c.8G>C, p.Gly3Ala (NM_001313965.2); c.251G>C, p.Gly84Ala (NM_003234.4); c.-412-1961G>C (NM_001313966.2); short protein forms G84A, G3A.
Identifiers: ClinVar variation 2869712 (VCV002869712.3), dbSNP rs1325960959, ClinGen allele CA355578716.
Genomic context (GRCh38, chr3:196,074,113, plus strand): 5'-GTTCCTGCCAGTCTCTCACACTCAGTTTTTGGTTCTACCCCTTTACAATAGCCCAAGTAG[C>G]CAATCATAAATCCTAAAGAGACAAAGTTCCAGAGCTGAACTCAGAATTTCATTTGTAATC-3'
Protein context (NP_001121620.1, residues 74-94): IVFFLIGFMI[Gly84Ala]YLGYCKGVEP